The following is an entry in ClinVar:

ClinVar aggregate classification (germline): Benign/Likely benign. Review status: criteria provided, multiple submitters, no conflicts (2 of 4 stars). 10 submissions from 9 submitters: Benign (7); Likely benign (1). 2 of the submissions do not count toward it. Last evaluated 2026-01-23.

Conditions:
Autosomal recessive ataxia, Beauce type. Also called: Spinocerebellar ataxia, autosomal recessive 8; ATAXIA, RECESSIVE, OF BEAUCE; SYNE1-Related Autosomal Recessive Cerebellar Ataxia; SYNE1 Deficiency. Identifiers: Orphanet 88644, MedGen C1853116, MONDO:0012549, OMIM 610743.
Emery-Dreifuss muscular dystrophy 4, autosomal dominant (EDMD4). Also called: EMERY-DREIFUSS MUSCULAR DYSTROPHY 4 WITH VARIABLE FEATURES. Identifiers: Orphanet 261, MedGen C2751807, MONDO:0013071, OMIM 612998.

Allele frequency attached by ClinVar (database versions not stated): ESP Exome Variant Server 0.00023; gnomAD 0.00106 and 0.00117; gnomAD exomes 0.00135 and 0.00440; TOPMed 0.00270; 1000 Genomes Project 30x 0.00281; 1000 Genomes Project 0.00319; ExAC 0.00347.
gnomAD v4.1: 2,142 of 1,614,156 alleles (0.13%); highest among the groups gnomAD compares: Admixed American, 2.2%; 39 homozygotes.

Submissions (10):

Labcorp Genetics (formerly Invitae), Labcorp
Classification: Benign for Emery-Dreifuss muscular dystrophy 4, autosomal dominant; Autosomal recessive ataxia, Beauce type. Last evaluated: 2026-01-23. Review status: criteria provided, single submitter. Criteria: Invitae Variant Classification Sherloc (09022015). Collection method: clinical testing. Allele origin: germline.

Athena Diagnostics
Classification: Benign. Last evaluated: 2024-06-24. Review status: criteria provided, single submitter. Criteria: Athena Diagnostics Criteria. Collection method: clinical testing. Allele origin: unknown.

Mayo Clinic Laboratories, Mayo Clinic
Classification: Benign. Last evaluated: 2023-06-21. Review status: criteria provided, single submitter. Criteria: ACMG Guidelines, 2015. Collection method: clinical testing. Allele origin: germline. Observed: 5 variant alleles.

Illumina Laboratory Services, Illumina
Classification: Benign for Emery-Dreifuss muscular dystrophy 4, autosomal dominant. Last evaluated: 2018-01-13. Review status: criteria provided, single submitter. Criteria: ICSL Variant Classification Criteria 13 December 2019. Collection method: clinical testing. Allele origin: germline.
Comment: This variant was observed in the ICSL laboratory as part of a predisposition screen in an ostensibly healthy population. It had not been previously curated by ICSL or reported in the Human Gene Mutation Database (HGMD: prior to June 1st, 2018), and was therefore a candidate for classification through an automated scoring system. Utilizing variant allele frequency, disease prevalence and penetrance estimates, and inheritance mode, an automated score was calculated to assess if this variant is too frequent to cause the disease. Based on the score and internal cut-off values, a variant classified as benign is not then subjected to further curation. The score for this variant resulted in a classification of benign for this disease.

Illumina Laboratory Services, Illumina
Classification: Benign for Autosomal recessive ataxia, Beauce type. Last evaluated: 2018-01-13. Review status: criteria provided, single submitter. Criteria: ICSL Variant Classification Criteria 13 December 2019. Collection method: clinical testing. Allele origin: germline.
Comment: the same text as in the submission from Illumina Laboratory Services, Illumina above.

Center for Pediatric Genomic Medicine, Children's Mercy Hospital and Clinics
Classification: Likely benign. Last evaluated: 2016-12-28. Review status: criteria provided, single submitter. Criteria: ACMG Guidelines, 2015. Collection method: clinical testing. Allele origin: germline.
ClinVar note: Converted during submission from Likely Benign to Likely benign.

GeneDx
Classification: Benign. Last evaluated: 2016-06-22. Review status: criteria provided, single submitter. Criteria: GeneDx Variant Classification (06012015). Collection method: clinical testing. Allele origin: germline. Affected: yes.
Comment: This variant is considered likely benign or benign based on one or more of the following criteria: it is a conservative change, it occurs at a poorly conserved position in the protein, it is predicted to be benign by multiple in silico algorithms, and/or has population frequency not consistent with disease.

Eurofins Ntd Llc (ga)
Classification: Benign. Last evaluated: 2015-11-06. Review status: criteria provided, single submitter. Criteria: EGL Classification Definitions 2015. Collection method: clinical testing. Allele origin: germline. Observed: 1 variant allele, 1 heterozygote.

Clinical Genetics DNA and cytogenetics Diagnostics Lab, Erasmus MC, Erasmus Medical Center
Classification: Benign. Review status: no assertion criteria provided. Collection method: clinical testing. Allele origin: germline. Affected: yes. Study: VKGL Data-share Consensus. Not counted in ClinVar's aggregate classification.

Genome Diagnostics Laboratory, University Medical Center Utrecht
Classification: Benign. Review status: no assertion criteria provided. Collection method: clinical testing. Allele origin: germline. Affected: yes. Study: VKGL Data-share Consensus. Not counted in ClinVar's aggregate classification.

NM_182961.4(SYNE1):c.13636G>A (p.Val4546Ile)

Gene: SYNE1 (spectrin repeat containing nuclear envelope protein 1; minus strand). Cytogenetic location: 6q25.2.
Variant type: single nucleotide variant.
Coding change: c.13636G>A on transcript NM_182961.4 (MANE Select); coding-DNA position 13636, G replaced by A.
Protein change: p.Val4546Ile; replaces valine 4546 with isoleucine.
Molecular consequence: missense variant.
Genome position (GRCh38, 1-based): chr6:152,331,049, C>T on the plus strand (G>A on the coding strand, the complement: SYNE1 is on the minus strand). VCF-style: chr6-152331049-C-T. GRCh37 (hg19) VCF-style: chr6-152652184-C-T.
Other names: p.Val4475Ile; c.13423G>A, p.Val4475Ile (NM_033071.5); short protein forms V4475I, V4546I.
Identifiers: ClinVar variation 284688 (VCV000284688.26), dbSNP rs4870093, ClinGen allele CA4056144.